The following is an entry in ClinVar:

ClinVar aggregate classification (germline): Uncertain significance (1 of 4 stars; one submission).

Conditions:
Ehlers-Danlos syndrome, classic type, 1 (EDSCL1). Also called: EHLERS-DANLOS SYNDROME, GRAVIS TYPE; EHLERS-DANLOS SYNDROME, SEVERE CLASSIC TYPE; Ehlers-Danlos syndrome, type 1; Ehlers-Danlos Syndrome, Classic Type, COL5A1-Related; EDS I. Identifiers: MedGen C0268335, MONDO:0019567, OMIM 130000.

Submission:

Labcorp Genetics (formerly Invitae), Labcorp
Classification: Uncertain significance for Ehlers-Danlos syndrome, classic type, 1. Last evaluated: 2025-02-07. Review status: criteria provided, single submitter. Criteria: Invitae Variant Classification Sherloc (09022015). Collection method: clinical testing. Allele origin: germline.
Comment: This sequence change falls in intron 39 of the COL5A1 gene. It does not directly change the encoded amino acid sequence of the COL5A1 protein. It affects a nucleotide within the consensus splice site. This variant is not present in population databases (gnomAD no frequency). This variant has not been reported in the literature in individuals affected with COL5A1-related conditions. Variants that disrupt the consensus splice site are a relatively common cause of aberrant splicing (PMID: 17576681, 9536098). Algorithms developed to predict the effect of sequence changes on RNA splicing suggest that this variant is not likely to affect RNA splicing. In summary, the available evidence is currently insufficient to determine the role of this variant in disease. Therefore, it has been classified as a Variant of Uncertain Significance.

Literature cited by the submitters: PubMed 17576681; PubMed 9536098.

NM_000093.5(COL5A1):c.3114+6T>G

Gene: COL5A1 (collagen type V alpha 1 chain; plus strand). Cytogenetic location: 9q34.3.
Variant type: single nucleotide variant.
Coding change: c.3114+6T>G on transcript NM_000093.5 (MANE Select); 6 bases into the intron after coding-DNA position 3114, T replaced by G.
Molecular consequence: intron variant.
Genome position (GRCh38, 1-based): chr9:134,803,001, T>G. VCF-style: chr9-134803001-T-G. GRCh37 (hg19) VCF-style: chr9-137694847-T-G.
Other names: c.3114+6T>G (NM_001278074.1).
Identifiers: ClinVar variation 4712566 (VCV004712566.1).